The following is an entry in ClinVar:

ClinVar aggregate classification (germline): Uncertain significance (1 of 4 stars; one submission).

Allele frequency attached by ClinVar (database versions not stated): gnomAD exomes below 0.00001; TOPMed below 0.00001.
gnomAD v4.1: 1 of 1,614,060 alleles (0.000062%); highest among the groups gnomAD compares: Non-Finnish European, 0.000085%; no homozygotes.

Submission:

Labcorp Genetics (formerly Invitae), Labcorp
Classification: Uncertain significance. Last evaluated: 2022-04-20. Review status: criteria provided, single submitter. Criteria: Invitae Variant Classification Sherloc (09022015). Collection method: clinical testing. Allele origin: germline.
Comment: In summary, the available evidence is currently insufficient to determine the role of this variant in disease. Therefore, it has been classified as a Variant of Uncertain Significance. Algorithms developed to predict the effect of missense changes on protein structure and function are either unavailable or do not agree on the potential impact of this missense change (SIFT: "Not Available"; PolyPhen-2: "Benign"; Align-GVGD: "Not Available"). This variant has not been reported in the literature in individuals affected with SEC24D-related conditions. This variant is not present in population databases (gnomAD no frequency). This sequence change replaces valine, which is neutral and non-polar, with leucine, which is neutral and non-polar, at codon 854 of the SEC24D protein (p.Val854Leu).

NM_014822.4(SEC24D):c.2560G>C (p.Val854Leu)

Gene: SEC24D (SEC24 homolog D, COPII component; minus strand). Cytogenetic location: 4q26.
Variant type: single nucleotide variant.
Coding change: c.2560G>C on transcript NM_014822.4 (MANE Select); coding-DNA position 2560, G replaced by C.
Protein change: p.Val854Leu; replaces valine 854 with leucine.
Molecular consequence: missense variant.
Genome position (GRCh38, 1-based): chr4:118,732,849, C>G on the plus strand (G>C on the coding strand, the complement: SEC24D is on the minus strand). VCF-style: chr4-118732849-C-G. GRCh37 (hg19) VCF-style: chr4-119654004-C-G.
Other names: c.2563G>C, p.Val855Leu (NM_001318066.2); short protein forms V854L, V855L.
Identifiers: ClinVar variation 2107752 (VCV002107752.4), dbSNP rs1725761381, ClinGen allele CA358005092.